The following is an entry in ClinVar:

NM_001008537.3(NEXMIF):c.1780C>T (p.Gln594Ter)

Gene: NEXMIF (neurite extension and migration factor; minus strand). Cytogenetic location: Xq13.3.
Variant type: single nucleotide variant.
Coding change: c.1780C>T on transcript NM_001008537.3 (MANE Select); coding-DNA position 1780, C replaced by T.
Protein change: p.Gln594Ter; replaces glutamine 594 with a stop codon.
Molecular consequence: nonsense.
Genome position (GRCh38, 1-based): chrX:74,742,777, G>A on the plus strand (C>T on the coding strand, the complement: NEXMIF is on the minus strand). VCF-style: chrX-74742777-G-A. GRCh37 (hg19) VCF-style: chrX-73962612-G-A.
Other names: short protein forms Q594*.
Identifiers: ClinVar variation 4890771 (VCV004890771.1).

ClinVar aggregate classification (germline): Likely pathogenic (1 of 4 stars; one submission).

Conditions:
X-linked intellectual disability, Cantagrel type (XLID98). Also called: INTELLECTUAL DEVELOPMENTAL DISORDER, X-LINKED 98. Identifiers: Orphanet 85277, MedGen C3806730, MONDO:0010483, OMIM 300912.

Submission:

Solve-RD Consortium
Classification: Likely pathogenic for X-linked intellectual disability, Cantagrel type. Review status: criteria provided, single submitter. Criteria: ACMG Guidelines, 2015. Collection method: provider interpretation. Allele origin: germline. Inheritance: Autosomal dominant inheritance. Affected: yes. Study: Solve-RD DIFT-EpiCARE reanalysis.
Comment: PVS1, PM2

Variant identified during reanalysis of unsolved cases by the Solve-RD project. The Solve-RD project has received funding from the European Union’s Horizon 2020 research and innovation programme under grant agreement No 779257.